The following is an entry in ClinVar:

NM_001258392.3(CLPB):c.692G>A (p.Arg231His)

Gene: CLPB (ClpB family mitochondrial disaggregase; minus strand). Cytogenetic location: 11q13.4.
Variant type: single nucleotide variant.
Coding change: c.692G>A on transcript NM_001258392.3 (MANE Select); coding-DNA position 692, G replaced by A.
Protein change: p.Arg231His; replaces arginine 231 with histidine.
Molecular consequence: missense variant.
Genome position (GRCh38, 1-based): chr11:72,358,963, C>T on the plus strand (G>A on the coding strand, the complement: CLPB is on the minus strand). VCF-style: chr11-72358963-C-T. GRCh37 (hg19) VCF-style: chr11-72070007-C-T.
Other names: c.605G>A, p.Arg202His (NM_001258393.3); c.647G>A, p.Arg216His (NM_001258394.3); c.782G>A, p.Arg261His (NM_030813.6); c.782G>A (NM_030813.5, NM_030813.3); short protein forms R202H, R261H, R216H, R231H.
Identifiers: ClinVar variation 1357364 (VCV001357364.9), dbSNP rs772243585, ClinGen allele CA6171428.

ClinVar aggregate classification (germline): Uncertain significance. Review status: criteria provided, multiple submitters, no conflicts (2 of 4 stars). 4 submissions from 4 submitters: Uncertain significance (4). Last evaluated 2026-01-19.

Conditions:
CLPB-related disorder. Also called: CLPB-related condition.
Inborn genetic diseases. Identifiers: MedGen C0950123, MeSH D030342.
3-methylglutaconic aciduria, type VIIB (MGCA7B). Also called: 3-methylglutaconic aciduria, type VII, with cataracts, neurologic involvement and neutropenia; CLPB Deficiency; 3-methylglutaconic aciduria with cataracts, neurologic involvement and neutropenia. Identifiers: Orphanet 445038, MedGen C5676893, MONDO:0014561, OMIM 616271.

Allele frequency attached by ClinVar (database versions not stated): ExAC 0.00001; gnomAD exomes 0.00001 and 0.00002; TOPMed 0.00001.
gnomAD v4.1: 16 of 1,613,424 alleles (0.00099%); highest among the groups gnomAD compares: African/African-American, 0.0054%; no homozygotes.

Submissions (4):

Labcorp Genetics (formerly Invitae), Labcorp
Classification: Uncertain significance for 3-methylglutaconic aciduria, type VIIB. Last evaluated: 2026-01-19. Review status: criteria provided, single submitter. Criteria: Invitae Variant Classification Sherloc (09022015). Collection method: clinical testing. Allele origin: germline.
Comment: This sequence change replaces arginine, which is basic and polar, with histidine, which is basic and polar, at codon 261 of the CLPB protein (p.Arg261His). This variant is present in population databases (rs772243585, gnomAD 0.006%). This variant has not been reported in the literature in individuals affected with CLPB-related conditions. ClinVar contains an entry for this variant (Variation ID: 1357364). An algorithm developed to predict the effect of missense changes on protein structure and function (PolyPhen-2) suggests that this variant is likely to be tolerated. In summary, the available evidence is currently insufficient to determine the role of this variant in disease. Therefore, it has been classified as a Variant of Uncertain Significance.

PreventionGenetics, part of Exact Sciences
Classification: Uncertain significance for CLPB-related condition. Last evaluated: 2025-02-10. Review status: criteria provided, single submitter. Criteria: ACMG Guidelines, 2015. Collection method: clinical testing. Allele origin: germline.
Comment: The CLPB c.782G>A variant is predicted to result in the amino acid substitution p.Arg261His. To our knowledge, this variant has not been reported in the literature. This variant is reported in 0.0065% of alleles in individuals of South Asian descent in gnomAD. At this time, the clinical significance of this variant is uncertain due to the absence of conclusive functional and genetic evidence.

GeneDx
Classification: Uncertain significance. Last evaluated: 2024-01-22. Review status: criteria provided, single submitter. Criteria: GeneDx Variant Classification Process June 2021. Collection method: clinical testing. Allele origin: germline. Affected: yes.
Comment: In silico analysis supports that this missense variant has a deleterious effect on protein structure/function; Has not been previously published as pathogenic or benign to our knowledge

Ambry Genetics
Classification: Uncertain significance for Inborn genetic diseases. Last evaluated: 2023-12-11. Review status: criteria provided, single submitter. Criteria: Ambry Variant Classification Scheme 2023. Collection method: clinical testing. Allele origin: germline.